The following is an entry in ClinVar:

ClinVar aggregate classification (germline): Benign/Likely benign. Review status: criteria provided, multiple submitters, no conflicts (2 of 4 stars). 2 submissions from 2 submitters: Benign (1); Likely benign (1). Last evaluated 2023-11-01.

Allele frequency attached by ClinVar (database versions not stated): 1000 Genomes Project 30x 0.00094; 1000 Genomes Project 0.00120; TOPMed 0.00327; ESP Exome Variant Server 0.00384; gnomAD 0.00439 and 0.00451; gnomAD exomes 0.00517 and 0.00564; ExAC 0.00568.
gnomAD v4.1: 8,856 of 1,614,220 alleles (0.55%); highest among the groups gnomAD compares: Non-Finnish European, 0.64%; 39 homozygotes.

Submissions (2):

CeGaT Center for Human Genetics Tuebingen
Classification: Likely benign. Last evaluated: 2023-11-01. Review status: criteria provided, single submitter. Criteria: CeGaT Center For Human Genetics Tuebingen Variant Classification Criteria Version 2. Collection method: clinical testing. Allele origin: germline. Affected: yes. Observed: 3 variant alleles.
Comment: UBR4: BP4, BS2

Labcorp Genetics (formerly Invitae), Labcorp
Classification: Benign. Last evaluated: 2019-12-31. Review status: criteria provided, single submitter. Criteria: Invitae Variant Classification Sherloc (09022015). Collection method: clinical testing. Allele origin: germline.

NM_020765.3(UBR4):c.11256G>A (p.Gln3752=)

Gene: UBR4 (ubiquitin protein ligase E3 component n-recognin 4; minus strand). Cytogenetic location: 1p36.13.
Variant type: single nucleotide variant.
Coding change: c.11256G>A on transcript NM_020765.3 (MANE Select); coding-DNA position 11256, G replaced by A.
Protein change: p.Gln3752=; no amino-acid change (glutamine 3752 retained).
Molecular consequence: synonymous variant.
Genome position (GRCh38, 1-based): chr1:19,114,017, C>T on the plus strand (G>A on the coding strand, the complement: UBR4 is on the minus strand). VCF-style: chr1-19114017-C-T. GRCh37 (hg19) VCF-style: chr1-19440511-C-T.
Identifiers: ClinVar variation 770841 (VCV000770841.28), dbSNP rs77418490, ClinGen allele CA649018.